The following is an entry in ClinVar:

ClinVar aggregate classification (germline): Uncertain significance (1 of 4 stars; one submission).

Submission:

Labcorp Genetics (formerly Invitae), Labcorp
Classification: Uncertain significance. Last evaluated: 2024-05-31. Review status: criteria provided, single submitter. Criteria: Invitae Variant Classification Sherloc (09022015). Collection method: clinical testing. Allele origin: germline.
Comment: This sequence change replaces proline, which is neutral and non-polar, with arginine, which is basic and polar, at codon 1478 of the PIEZO1 protein (p.Pro1478Arg). This variant is not present in population databases (gnomAD no frequency). This variant has not been reported in the literature in individuals affected with PIEZO1-related conditions. Advanced modeling of protein sequence and biophysical properties (such as structural, functional, and spatial information, amino acid conservation, physicochemical variation, residue mobility, and thermodynamic stability) performed at Invitae indicates that this missense variant is not expected to disrupt PIEZO1 protein function with a negative predictive value of 80%. In summary, the available evidence is currently insufficient to determine the role of this variant in disease. Therefore, it has been classified as a Variant of Uncertain Significance.

NM_001142864.4(PIEZO1):c.4433C>G (p.Pro1478Arg)

Gene: PIEZO1 (piezo type mechanosensitive ion channel component 1 (Er blood group); minus strand). Cytogenetic location: 16q24.3.
Variant type: single nucleotide variant.
Coding change: c.4433C>G on transcript NM_001142864.4 (MANE Select); coding-DNA position 4433, C replaced by G.
Protein change: p.Pro1478Arg; replaces proline 1478 with arginine.
Molecular consequence: missense variant.
Genome position (GRCh38, 1-based): chr16:88,723,231, G>C on the plus strand (C>G on the coding strand, the complement: PIEZO1 is on the minus strand). VCF-style: chr16-88723231-G-C. GRCh37 (hg19) VCF-style: chr16-88789639-G-C.
Other names: short protein forms P1478R.
Identifiers: ClinVar variation 3680966 (VCV003680966.2).